The following is an entry in ClinVar:

ClinVar aggregate classification (germline): Likely benign. Review status: criteria provided, multiple submitters, no conflicts (2 of 4 stars). 2 submissions from 2 submitters: Likely benign (2). Last evaluated 2026-09-16.

Conditions:
ASAH1-related disorders. Also called: ASAH1-related condition; ASAH1-related disorder. Identifiers: MedGen CN376120, MONDO:0800460.

Allele frequency attached by ClinVar (database versions not stated): TOPMed 0.00001; ExAC 0.00003; gnomAD 0.00003; gnomAD exomes 0.00005 and 0.00006; 1000 Genomes Project 30x 0.00016; 1000 Genomes Project 0.00020.
gnomAD v4.1: 77 of 1,543,440 alleles (0.005%); highest among the groups gnomAD compares: South Asian, 0.083%; 1 homozygote.

Submissions (2):

PreventionGenetics, part of Exact Sciences
Classification: Likely benign for ASAH1-related condition. Last evaluated: 2026-09-16. Review status: criteria provided, single submitter. Criteria: ACMG Guidelines, 2015. Collection method: clinical testing. Allele origin: germline.
Comment: This variant is classified as likely benign based on ACMG/AMP sequence variant interpretation guidelines (Richards et al. 2015 PMID: 25741868, with internal and published modifications).

Labcorp Genetics (formerly Invitae), Labcorp
Classification: Likely benign. Last evaluated: 2026-01-21. Review status: criteria provided, single submitter. Criteria: Invitae Variant Classification Sherloc (09022015). Collection method: clinical testing. Allele origin: germline.

NM_177924.5(ASAH1):c.217-10T>G

Gene: ASAH1 (N-acylsphingosine amidohydrolase 1; minus strand). Cytogenetic location: 8p22.
Variant type: single nucleotide variant.
Coding change: c.217-10T>G on transcript NM_177924.5 (MANE Select); 10 bases into the intron before coding-DNA position 217, T replaced by G.
Molecular consequence: intron variant.
Genome position (GRCh38, 1-based): chr8:18,069,888, A>C on the plus strand (T>G on the coding strand, the complement: ASAH1 is on the minus strand). VCF-style: chr8-18069888-A-C. GRCh37 (hg19) VCF-style: chr8-17927397-A-C.
Other names: c.265-10T>G (NM_004315.6, NM_004315.5); c.285+1412T>G (NM_001127505.3); c.22-10T>G (NM_001363743.2).
Identifiers: ClinVar variation 1672479 (VCV001672479.9), dbSNP rs564032950, ClinGen allele CA4650963.